The following is an entry in ClinVar:

ClinVar aggregate classification (germline): Pathogenic (1 of 4 stars; one submission).

Conditions:
Aicardi-Goutieres syndrome 5. Identifiers: Orphanet 51, MedGen C2749659, MONDO:0013059, OMIM 612952.

Submission:

Labcorp Genetics (formerly Invitae), Labcorp
Classification: Pathogenic for Aicardi-Goutieres syndrome 5. Last evaluated: 2022-07-16. Review status: criteria provided, single submitter. Criteria: Invitae Variant Classification Sherloc (09022015). Collection method: clinical testing. Allele origin: germline.
Comment: For these reasons, this variant has been classified as Pathogenic. This variant has not been reported in the literature in individuals affected with SAMHD1-related conditions. This variant is not present in population databases (gnomAD no frequency). This sequence change creates a premature translational stop signal (p.Arg371Leufs*18) in the SAMHD1 gene. It is expected to result in an absent or disrupted protein product. Loss-of-function variants in SAMHD1 are known to be pathogenic (PMID: 19525956, 22461318).

Literature cited by the submitters: PubMed 19525956; PubMed 22461318.

NM_015474.4(SAMHD1):c.1104_1111dup (p.Arg371fs)

Gene: SAMHD1 (SAM and HD domain containing deoxynucleoside triphosphate triphosphohydrolase 1; minus strand). Cytogenetic location: 20q11.23.
Variant type: Duplication.
Coding change: c.1104_1111dup on transcript NM_015474.4 (MANE Select); coding-DNA positions 1104 to 1111, 8 bases duplicated (TTTACACC; older notation c.1104_1111dupTTTACACC).
Protein change: p.Arg371fs; shifts the reading frame from arginine 371.
Molecular consequence: frameshift variant.
Genome position (GRCh38, 1-based): chr20:36,912,504-36,912,511, GGTGTAAA duplicated on the plus strand (TTTACACC on the coding strand, the reverse complement: SAMHD1 is on the minus strand); duplicating any 8 consecutive bases within chr20:36,912,504-36,912,512 gives the same sequence; the c. name uses the placement nearest the transcript's 3' end. VCF-style (leftmost placement, unchanged base first): chr20-36912503-C-CGGTGTAAA. GRCh37 (hg19) VCF-style: chr20-35540906-C-CGGTGTAAA.
Other names: c.1104_1111dup, p.Arg371fs (NM_001363729.2, NM_001363733.2); short protein forms R371fs.
Identifiers: ClinVar variation 2017671 (VCV002017671.4), dbSNP rs2515237951, ClinGen allele CA2580098163.